The following is an entry in ClinVar:

NM_015693.4(INTU):c.2080A>G (p.Arg694Gly)

Gene: INTU (inturned planar cell polarity protein; plus strand). Cytogenetic location: 4q28.1.
Variant type: single nucleotide variant.
Coding change: c.2080A>G on transcript NM_015693.4 (MANE Select); coding-DNA position 2080, A replaced by G.
Protein change: p.Arg694Gly; replaces arginine 694 with glycine.
Molecular consequence: missense variant.
Genome position (GRCh38, 1-based): chr4:127,706,778, A>G. VCF-style: chr4-127706778-A-G. GRCh37 (hg19) VCF-style: chr4-128627933-A-G.
Other names: short protein forms R694G.
Identifiers: ClinVar variation 4753590 (VCV004753590.1).

ClinVar aggregate classification (germline): Uncertain significance (1 of 4 stars; one submission).

gnomAD v4.1: 1 of 1,614,146 alleles (0.000062%); highest among the groups gnomAD compares: Admixed American, 0.0017%; no homozygotes.

Submission:

Labcorp Genetics (formerly Invitae), Labcorp
Classification: Uncertain significance. Last evaluated: 2025-06-27. Review status: criteria provided, single submitter. Criteria: Invitae Variant Classification Sherloc (09022015). Collection method: clinical testing. Allele origin: germline.
Comment: This sequence change replaces arginine, which is basic and polar, with glycine, which is neutral and non-polar, at codon 694 of the INTU protein (p.Arg694Gly). This variant is not present in population databases (gnomAD no frequency). This variant has not been reported in the literature in individuals affected with INTU-related conditions. Invitae Evidence Modeling of protein sequence and biophysical properties (such as structural, functional, and spatial information, amino acid conservation, physicochemical variation, residue mobility, and thermodynamic stability) indicates that this missense variant is not expected to disrupt INTU protein function with a negative predictive value of 80%. In summary, the available evidence is currently insufficient to determine the role of this variant in disease. Therefore, it has been classified as a Variant of Uncertain Significance.